The following is an entry in ClinVar:

ClinVar aggregate classification (germline): Uncertain significance (1 of 4 stars; one submission).

Conditions:
Developmental and epileptic encephalopathy, 11 (DEE11). Also called: Early infantile epileptic encephalopathy 11. Identifiers: Orphanet 1934, MedGen C3150987, MONDO:0013388, OMIM 613721.
Seizures, benign familial infantile, 3 (BFIS3). Also called: Familial neonatal seizures; CONVULSIONS, BENIGN FAMILIAL INFANTILE, 3. Identifiers: Orphanet 140927, Orphanet 306, MedGen C1843140, MONDO:0011904, OMIM 607745.

Submission:

Labcorp Genetics (formerly Invitae), Labcorp
Classification: Uncertain significance for Seizures, benign familial infantile, 3; Developmental and epileptic encephalopathy, 11. Last evaluated: 2020-06-30. Review status: criteria provided, single submitter. Criteria: Invitae Variant Classification Sherloc (09022015). Collection method: clinical testing. Allele origin: germline.
Comment: In summary, the available evidence is currently insufficient to determine the role of this variant in disease. Therefore, it has been classified as a Variant of Uncertain Significance. Algorithms developed to predict the effect of missense changes on protein structure and function (SIFT, PolyPhen-2, Align-GVGD) all suggest that this variant is likely to be tolerated, but these predictions have not been confirmed by published functional studies and their clinical significance is uncertain. This variant has not been reported in the literature in individuals with SCN2A-related conditions. This variant is not present in population databases (ExAC no frequency). This sequence change replaces phenylalanine with leucine at codon 552 of the SCN2A protein (p.Phe552Leu). The phenylalanine residue is highly conserved and there is a small physicochemical difference between phenylalanine and leucine.

NM_001040142.2(SCN2A):c.1654T>C (p.Phe552Leu)

Gene: SCN2A (sodium voltage-gated channel alpha subunit 2; plus strand). Cytogenetic location: 2q24.3.
Variant type: single nucleotide variant.
Coding change: c.1654T>C on transcript NM_001040142.2 (MANE Select); coding-DNA position 1654, T replaced by C.
Protein change: p.Phe552Leu; replaces phenylalanine 552 with leucine.
Molecular consequence: missense variant.
Genome position (GRCh38, 1-based): chr2:165,315,741, T>C. VCF-style: chr2-165315741-T-C. GRCh37 (hg19) VCF-style: chr2-166172251-T-C.
Other names: c.1654T>C, p.Phe552Leu (NM_001040143.2, NM_001371246.1, NM_001371247.1 and 1 more transcripts); short protein forms F552L.
Identifiers: ClinVar variation 998701 (VCV000998701.9), dbSNP rs1186187591, ClinGen allele CA349024095.
Genomic context (GRCh38, chr2:165,315,741, plus strand): 5'-ATAAGAAGAAAAGGTTTCCGTTTTTCCTTGGAAGGAAGTAGGCTGACATATGAAAAGAGA[T>C]TTTCTTCTCCACACCAGGTAAAAATATTAAATTACATGAATTGTGTTCTCATAAATTTTT-3'
Protein context (NP_001035232.1, residues 542-562): EGSRLTYEKR[Phe552Leu]SSPHQSLLSI